The following is an entry in ClinVar:

ClinVar aggregate classification (germline): Likely pathogenic. Review status: criteria provided, multiple submitters, no conflicts (2 of 4 stars). 2 submissions from 2 submitters: Likely pathogenic (2). Last evaluated 2024-01-11.

Conditions:
Fanconi anemia (FA). Also called: Fanconi's anemia. Identifiers: Orphanet 84, MedGen C0015625, MeSH D005199, MONDO:0019391.
Fanconi anemia complementation group C (FANCC). Also called: FANCONI PANCYTOPENIA, TYPE 3; FACC; Fanconi anemia, group C; FANCC-Related Fanconi Anemia. Identifiers: Orphanet 84, MedGen C3468041, MONDO:0009213, OMIM 227645.

Allele frequency attached by ClinVar (database versions not stated): gnomAD exomes below 0.00001.
gnomAD v4.1: 1 of 1,613,874 alleles (0.000062%); highest among the groups gnomAD compares: Non-Finnish European, 0.000085%; no homozygotes.

Submissions (2):

Baylor Genetics
Classification: Likely pathogenic for Fanconi anemia complementation group C. Last evaluated: 2024-01-11. Review status: criteria provided, single submitter. Criteria: ACMG Guidelines, 2015. Collection method: clinical testing. Allele origin: unknown.

Labcorp Genetics (formerly Invitae), Labcorp
Classification: Likely pathogenic for Fanconi anemia. Last evaluated: 2022-10-29. Review status: criteria provided, single submitter. Criteria: Invitae Variant Classification Sherloc (09022015). Collection method: clinical testing. Allele origin: germline.
Comment: This variant has not been reported in the literature in individuals affected with FANCC-related conditions. In summary, the currently available evidence indicates that the variant is pathogenic, but additional data are needed to prove that conclusively. Therefore, this variant has been classified as Likely Pathogenic. Algorithms developed to predict the effect of sequence changes on RNA splicing suggest that this variant may disrupt the consensus splice site. This variant is present in population databases (no rsID available, gnomAD 0.0009%). This sequence change affects a donor splice site in intron 11 of the FANCC gene. It is expected to disrupt RNA splicing. Variants that disrupt the donor or acceptor splice site typically lead to a loss of protein function (PMID: 16199547), and loss-of-function variants in FANCC are known to be pathogenic (PMID: 17924555).

Literature cited by the submitters: PubMed 16199547 (cited by Labcorp Genetics (formerly Invitae), Labcorp); PubMed 17924555 (cited by Labcorp Genetics (formerly Invitae), Labcorp).

NM_000136.3(FANCC):c.1072+2T>A

Genes: AOPEP (aminopeptidase O (putative); plus strand), FANCC (FA complementation group C; minus strand). Cytogenetic location: 9q22.32.
Variant type: single nucleotide variant.
Coding change: c.1072+2T>A on transcript NM_000136.3 (MANE Select); the canonical splice donor site of the intron after coding-DNA position 1072, T replaced by A.
Molecular consequence: splice donor variant.
Genome position (GRCh38, 1-based): chr9:95,117,313, A>T on the plus strand (T>A on the coding strand, the complement: FANCC is on the minus strand). VCF-style: chr9-95117313-A-T. GRCh37 (hg19) VCF-style: chr9-97879595-A-T.
Other names: c.1072+2T>A (NM_001243743.2, NM_001243744.2).
Identifiers: ClinVar variation 1936438 (VCV001936438.6), dbSNP rs1254639941, ClinGen allele CA374108084.